The following is an entry in ClinVar:

ClinVar aggregate classification (germline): Benign/Likely benign. Review status: criteria provided, multiple submitters, no conflicts (2 of 4 stars). 10 submissions from 9 submitters: Benign (4); Likely benign (4). 2 of the submissions do not count toward it. Last evaluated 2026-01-26.

Conditions:
Retinitis pigmentosa (RP). Identifiers: Orphanet 791, MedGen C0035334, MeSH D012174, MONDO:0019200, OMIM 268000. Inheritance: Autosomal dominant, autosomal recessive and X linked inheritance.
Congenital stationary night blindness autosomal dominant 1. Also called: NIGHT BLINDNESS, CONGENITAL STATIONARY, RHODOPSIN-RELATED. Identifiers: Orphanet 215, MedGen C1864869, MONDO:0012498, OMIM 610445.

Allele frequency attached by ClinVar (database versions not stated): 1000 Genomes Project 0.00140; 1000 Genomes Project 30x 0.00141; gnomAD 0.00312; ESP Exome Variant Server 0.00361; TOPMed 0.00388.

Submissions (10):

Labcorp Genetics (formerly Invitae), Labcorp
Classification: Benign. Last evaluated: 2026-01-26. Review status: criteria provided, single submitter. Criteria: Invitae Variant Classification Sherloc (09022015). Collection method: clinical testing. Allele origin: germline.

CeGaT Center for Human Genetics Tuebingen
Classification: Likely benign. Last evaluated: 2025-07-01. Review status: criteria provided, single submitter. Criteria: CeGaT Center For Human Genetics Tuebingen Variant Classification Criteria Version 2. Collection method: clinical testing. Allele origin: germline. Affected: yes. Observed: 3 variant alleles.
Comment: RHO: BS2

Blueprint Genetics
Classification: Likely benign. Last evaluated: 2024-11-19. Review status: criteria provided, single submitter. Criteria: ACMG Guidelines, 2015. Collection method: clinical testing. Allele origin: germline.

GeneDx
Classification: Benign. Last evaluated: 2019-06-19. Review status: criteria provided, single submitter. Criteria: GeneDx Variant Classification Process June 2021. Collection method: clinical testing. Allele origin: germline. Affected: yes.
Comment: This variant is associated with the following publications: (PMID: 11139241)

ARUP Laboratories, Molecular Genetics and Genomics, ARUP Laboratories
Classification: Benign. Last evaluated: 2018-12-15. Review status: criteria provided, single submitter. Criteria: ARUP Molecular Germline Variant Investigation Process. Collection method: clinical testing. Allele origin: germline.

Illumina Laboratory Services, Illumina
Classification: Benign for Congenital stationary night blindness autosomal dominant 1. Last evaluated: 2018-01-12. Review status: criteria provided, single submitter. Criteria: ICSL Variant Classification Criteria 13 December 2019. Collection method: clinical testing. Allele origin: germline.
Comment: This variant was observed in the ICSL laboratory as part of a predisposition screen in an ostensibly healthy population. It had not been previously curated by ICSL or reported in the Human Gene Mutation Database (HGMD: prior to June 1st, 2018), and was therefore a candidate for classification through an automated scoring system. Utilizing variant allele frequency, disease prevalence and penetrance estimates, and inheritance mode, an automated score was calculated to assess if this variant is too frequent to cause the disease. Based on the score and internal cut-off values, a variant classified as benign is not then subjected to further curation. The score for this variant resulted in a classification of benign for this disease.

Illumina Laboratory Services, Illumina
Classification: Likely benign for Retinitis pigmentosa. Last evaluated: 2018-01-12. Review status: criteria provided, single submitter. Criteria: ICSL Variant Classification Criteria 13 December 2019. Collection method: clinical testing. Allele origin: germline.
Comment: This variant was observed in the ICSL laboratory as part of a predisposition screen in an ostensibly healthy population. It had not been previously curated by ICSL or reported in the Human Gene Mutation Database (HGMD: prior to June 1st, 2018), and was therefore a candidate for classification through an automated scoring system. Utilizing variant allele frequency, disease prevalence and penetrance estimates, and inheritance mode, an automated score was calculated to assess if this variant is too frequent to cause the disease. Based on the score and internal cut-off values, a variant classified as likely benign is not then subjected to further curation. The score for this variant resulted in a classification of likely benign for this disease.

Eurofins Ntd Llc (ga)
Classification: Likely benign. Last evaluated: 2015-06-19. Review status: criteria provided, single submitter. Criteria: EGL Classification Definitions 2015. Collection method: clinical testing. Allele origin: germline. Observed: 2 variant alleles, 2 heterozygotes.

Clinical Genetics, Academic Medical Center
Classification: Benign. Review status: no assertion criteria provided. Collection method: clinical testing. Allele origin: germline. Affected: yes. Study: VKGL Data-share Consensus. Not counted in ClinVar's aggregate classification.

Joint Genome Diagnostic Labs from Nijmegen and Maastricht, Radboudumc and MUMC+
Classification: Likely benign. Review status: no assertion criteria provided. Collection method: clinical testing. Allele origin: germline. Affected: yes. Study: VKGL Data-share Consensus. Not counted in ClinVar's aggregate classification.

NM_000539.3(RHO):c.360C>T (p.Gly120=)

Gene: RHO (rhodopsin; plus strand). Cytogenetic location: 3q22.1.
Variant type: single nucleotide variant.
Coding change: c.360C>T on transcript NM_000539.3 (MANE Select); coding-DNA position 360, C replaced by T.
Protein change: p.Gly120=; no amino-acid change (glycine 120 retained).
Molecular consequence: synonymous variant.
Genome position (GRCh38, 1-based): chr3:129,529,093, C>T. VCF-style: chr3-129529093-C-T. GRCh37 (hg19) VCF-style: chr3-129247936-C-T.
Identifiers: ClinVar variation 193112 (VCV000193112.49), dbSNP rs79765751, ClinGen allele CA238621.
Genomic context (GRCh38, chr3:129,529,093, plus strand): 5'-TGGATACTTCGTCTTCGGGCCCACAGGATGCAATTTGGAGGGCTTCTTTGCCACCCTGGG[C>T]GGTATGAGCCGGGTGTGGGTGGGGTGTGCAGGAGCCCGGGAGCATGGAGGGGTCTGGGAG-3'
Protein context (NP_000530.1, residues 110-130): CNLEGFFATL[Gly120=]GEIALWSLVV